The following is an entry in ClinVar:

ClinVar aggregate classification (germline): Uncertain significance. Review status: criteria provided, multiple submitters, no conflicts (2 of 4 stars). 7 submissions from 7 submitters: Uncertain significance (7). Last evaluated 2025-12-21.

Conditions:
Breast-ovarian cancer, familial, susceptibility to, 3. Also called: RAD51C-Related Breast/Ovarian Cancer. Identifiers: Orphanet 145, MedGen C3150659, MONDO:0013253, OMIM 613399.
Fanconi anemia complementation group O. Also called: RAD51C-Related Fanconi Anemia. Identifiers: Orphanet 84, MedGen C3150653, MONDO:0013248, OMIM 613390.
Familial ovarian cancer. Identifiers: MedGen C5679802, MONDO:0016248.
Hereditary cancer-predisposing syndrome. Also called: Tumor predisposition; Hereditary Cancer Syndrome; Hereditary neoplastic syndrome; Neoplastic Syndromes, Hereditary. Identifiers: Orphanet 140162, MedGen C0027672, MeSH D009386, MONDO:0015356.

gnomAD v4.1: 16 of 1,614,222 alleles (0.00099%); highest among the groups gnomAD compares: Non-Finnish European, 0.0011%; no homozygotes.

Submissions (7):

Labcorp Genetics (formerly Invitae), Labcorp
Classification: Uncertain significance for Fanconi anemia complementation group O. Last evaluated: 2025-12-21. Review status: criteria provided, single submitter. Criteria: Invitae Variant Classification Sherloc (09022015). Collection method: clinical testing. Allele origin: germline.
Comment: This sequence change replaces aspartic acid, which is acidic and polar, with glutamic acid, which is acidic and polar, at codon 159 of the RAD51C protein (p.Asp159Glu). This variant is not present in population databases (gnomAD no frequency). This missense change has been observed in individual(s) with breast cancer (PMID: 34326862). ClinVar contains an entry for this variant (Variation ID: 185073). Invitae Evidence Modeling of protein sequence and biophysical properties (such as structural, functional, and spatial information, amino acid conservation, physicochemical variation, residue mobility, and thermodynamic stability) indicates that this missense variant is expected to disrupt RAD51C protein function with a positive predictive value of 80%. Experimental studies have shown that this missense change does not substantially affect RAD51C function (PMID: 37253112). In summary, the available evidence is currently insufficient to determine the role of this variant in disease. Therefore, it has been classified as a Variant of Uncertain Significance.

Molecular Pathology, Peter Maccallum Cancer Centre
Classification: Uncertain significance for Familial ovarian cancer. Last evaluated: 2024-12-05. Review status: criteria provided, single submitter. Criteria: ACMG Guidelines, 2015. Collection method: clinical testing. Allele origin: germline. Inheritance: Autosomal dominant inheritance.

Ambry Genetics
Classification: Uncertain significance for Hereditary cancer-predisposing syndrome. Last evaluated: 2024-05-29. Review status: criteria provided, single submitter. Criteria: Ambry Variant Classification Scheme 2023. Collection method: clinical testing. Allele origin: germline.
Comment: The p.D159E variant (also known as c.477T>G), located in coding exon 3 of the RAD51C gene, results from a T to G substitution at nucleotide position 477. The aspartic acid at codon 159 is replaced by glutamic acid, an amino acid with highly similar properties. In multiple assays testing RAD51C function, this alteration showed a normal read-out. (Hu C et al. Cancer Res, 2023 Aug;83:2557-2571). This amino acid position is highly conserved in available vertebrate species. In addition, this alteration is predicted to be deleterious by in silico analysis. Based on the available evidence, the clinical significance of this variant remains unclear.

Fulgent Genetics
Classification: Uncertain significance for Fanconi anemia complementation group O; Breast-ovarian cancer, familial, susceptibility to, 3. Last evaluated: 2024-04-16. Review status: criteria provided, single submitter. Criteria: ACMG Guidelines, 2015. Collection method: clinical testing. Allele origin: germline.

Color Diagnostics, LLC DBA Color Health
Classification: Uncertain significance for Hereditary cancer-predisposing syndrome. Last evaluated: 2024-02-28. Review status: criteria provided, single submitter. Criteria: ACMG Guidelines, 2015. Collection method: clinical testing. Allele origin: germline.
Comment: This missense variant replaces aspartic acid with glutamic acid at codon 159 of the RAD51C protein. Computational prediction is inconclusive regarding the impact of this variant on protein structure and function. To our knowledge, functional studies have not been reported for this variant. This variant has been reported in individuals affected with ovarian cancer or breast cancer (PMID: 34326862). This variant has not been identified in the general population by the Genome Aggregation Database (gnomAD). The available evidence is insufficient to determine the role of this variant in disease conclusively. Therefore, this variant is classified as a Variant of Uncertain Significance.

Baylor Genetics
Classification: Uncertain significance for Breast-ovarian cancer, familial, susceptibility to, 3. Last evaluated: 2023-12-17. Review status: criteria provided, single submitter. Criteria: ACMG Guidelines, 2015. Collection method: clinical testing. Allele origin: unknown.

Women's Health and Genetics/Laboratory Corporation of America, LabCorp
Classification: Uncertain significance. Last evaluated: 2023-03-11. Review status: criteria provided, single submitter. Criteria: LabCorp Variant Classification Summary - May 2015. Collection method: clinical testing. Allele origin: germline.

Literature cited by the submitters: PubMed 34326862 (cited by Labcorp Genetics (formerly Invitae), Labcorp and Color Diagnostics, LLC DBA Color Health); PubMed 37253112 (cited by Labcorp Genetics (formerly Invitae), Labcorp and Ambry Genetics).

NM_058216.3(RAD51C):c.477T>G (p.Asp159Glu)

Gene: RAD51C (RAD51 paralog C; plus strand). Cytogenetic location: 17q22.
Variant type: single nucleotide variant.
Coding change: c.477T>G on transcript NM_058216.3 (MANE Select); coding-DNA position 477, T replaced by G.
Protein change: p.Asp159Glu; replaces aspartic acid 159 with glutamic acid.
Molecular consequence: missense variant.
Genome position (GRCh38, 1-based): chr17:58,696,765, T>G. VCF-style: chr17-58696765-T-G. GRCh37 (hg19) VCF-style: chr17-56774126-T-G.
Other names: c.477T>G (LRG_314t1); short protein forms D159E.
Identifiers: ClinVar variation 185073 (VCV000185073.23), dbSNP rs760436864, ClinGen allele CA190931.